The following is an entry in ClinVar:

NM_004963.4(GUCY2C):c.1135A>T (p.Met379Leu)

Genes: GUCY2C (guanylate cyclase 2C; minus strand), GUCY2C-AS1 (GUCY2C antisense RNA 1; plus strand). Cytogenetic location: 12p12.3.
Variant type: single nucleotide variant.
Coding change: c.1135A>T on transcript NM_004963.4 (MANE Select); coding-DNA position 1135, A replaced by T.
Protein change: p.Met379Leu; replaces methionine 379 with leucine.
Molecular consequence: missense variant.
Genome position (GRCh38, 1-based): chr12:14,672,908, T>A on the plus strand (A>T on the coding strand, the complement: GUCY2C is on the minus strand). VCF-style: chr12-14672908-T-A. GRCh37 (hg19) VCF-style: chr12-14825842-T-A.
Other names: short protein forms M379L.
Identifiers: ClinVar variation 3893518 (VCV003893518.1).

ClinVar aggregate classification (germline): Uncertain significance (1 of 4 stars; one submission).

Submission:

GeneDx
Classification: Uncertain significance. Last evaluated: 2024-10-28. Review status: criteria provided, single submitter. Criteria: GeneDx Variant Classification Process June 2021. Collection method: clinical testing. Allele origin: germline. Affected: yes.
Comment: Not observed at significant frequency in large population cohorts (gnomAD); In silico analysis indicates that this missense variant does not alter protein structure/function; Has not been previously published as pathogenic or benign to our knowledge